The following is an entry in ClinVar:

ClinVar aggregate classification (germline): Conflicting classifications of pathogenicity. Review status: criteria provided, conflicting classifications (1 of 4 stars). 2 submissions from 2 submitters: Pathogenic (1); Uncertain significance (1). Last evaluated 2021-12-14.

Conditions:
Marfan syndrome (MFS). Also called: Marfan syndrome type 1; Marfan's syndrome; FBN1-Related Marfan Syndrome; MARFAN SYNDROME, TYPE I; Marfan syndrome, classic. Identifiers: Orphanet 284963, Orphanet 558, MedGen C0024796, MONDO:0007947, OMIM 154700.
Familial thoracic aortic aneurysm and aortic dissection (TAAD). Also called: Thoracic aortic aneurysms and dissections. Identifiers: Orphanet 91387, MedGen C4707243, MONDO:0019625.

Submissions (2):

Ambry Genetics
Classification: Uncertain significance for Familial thoracic aortic aneurysm and aortic dissection. Last evaluated: 2021-12-14. Review status: criteria provided, single submitter. Criteria: Ambry Variant Classification Scheme 2023. Collection method: clinical testing. Allele origin: germline.
Comment: The p.C313R variant (also known as c.937T>C), located in coding exon 8 of the FBN1 gene, results from a T to C substitution at nucleotide position 937. The cysteine at codon 313 is replaced by arginine, an amino acid with highly dissimilar properties, and is located in the cbEGF-like #02 domain. The majority of FBN1 mutations identified to date have involved the substitution or generation of cysteine residues within cbEGF domains (Vollbrandt T et al. J Biol Chem. 2004;279(31):32924-32931). This amino acid position is highly conserved in available vertebrate species. In addition, this alteration is predicted to be deleterious by in silico analysis. Since supporting evidence is limited at this time, the clinical significance of this alteration remains unclear.

Centre of Medical Genetics, University of Antwerp
Classification: Pathogenic for Marfan syndrome. Last evaluated: 2021-03-01. Review status: criteria provided, single submitter. Criteria: Submitter's publication. Collection method: research. Allele origin: unknown. Affected: yes.
Comment: PM2, PVS2, PP4

NM_000138.5(FBN1):c.937T>C (p.Cys313Arg)

Gene: FBN1 (fibrillin 1; minus strand). Cytogenetic location: 15q21.1.
Variant type: single nucleotide variant.
Coding change: c.937T>C on transcript NM_000138.5 (MANE Select); coding-DNA position 937, T replaced by C.
Protein change: p.Cys313Arg; replaces cysteine 313 with arginine.
Molecular consequence: missense variant.
Genome position (GRCh38, 1-based): chr15:48,526,181, A>G on the plus strand (T>C on the coding strand, the complement: FBN1 is on the minus strand). VCF-style: chr15-48526181-A-G. GRCh37 (hg19) VCF-style: chr15-48818378-A-G.
Other names: c.937T>C, p.Cys313Arg (NM_001406716.1); short protein forms C313R.
Identifiers: ClinVar variation 1325438 (VCV001325438.4), dbSNP rs2141343372, ClinGen allele CA392349970.